The following is an entry in ClinVar:

ClinVar aggregate classification (germline): Pathogenic (1 of 4 stars; one submission).

Submission:

Labcorp Genetics (formerly Invitae), Labcorp
Classification: Pathogenic. Last evaluated: 2023-08-05. Review status: criteria provided, single submitter. Criteria: Invitae Variant Classification Sherloc (09022015). Collection method: clinical testing. Allele origin: germline.
Comment: This sequence change creates a premature translational stop signal (p.Tyr8Leufs*59) in the OTOA gene. It is expected to result in an absent or disrupted protein product. Loss-of-function variants in OTOA are known to be pathogenic (PMID: 11972037). This variant is not present in population databases (gnomAD no frequency). This variant has not been reported in the literature in individuals affected with OTOA-related conditions. For these reasons, this variant has been classified as Pathogenic.

Literature cited by the submitters: PubMed 11972037.

NM_144672.4(OTOA):c.22_23del (p.Tyr8fs)

Gene: OTOA (otoancorin). Cytogenetic location: 16p12.2.
Variant type: Deletion.
Coding change: c.22_23del on transcript NM_144672.4 (MANE Select); coding-DNA positions 22 to 23, 2 bases deleted.
Protein change: p.Tyr8fs; shifts the reading frame from tyrosine 8.
Molecular consequence: frameshift variant.
Genome position: GRCh38 VCF-style: chr16-21678534-CAT-C. GRCh37 (hg19) VCF-style: chr16-21689855-CAT-C.
Other names: short protein forms Y8fs.
Identifiers: ClinVar variation 2820890 (VCV002820890.3), dbSNP rs1223258366, ClinGen allele CA719076261.
Genomic context (GRCh38, chr16:21,678,534, plus strand): 5'-AAAACATGAATCACTTCTATGCTTAAATTAACTACAGGAGAATGTCTCAGGAACCTACGA[CAT>C]ACTCCCTTTTCCTATTCCTTTTTCTGAGCCATGGAGTGTCGAGTTATACAGTGCCAAATT-3'